The following is an entry in ClinVar:

ClinVar aggregate classification (germline): Uncertain significance (1 of 4 stars; one submission).

Allele frequency attached by ClinVar (database versions not stated): ExAC 0.00001; gnomAD exomes 0.00001.
gnomAD v4.1: 3 of 1,613,650 alleles (0.00019%); highest among the groups gnomAD compares: Middle Eastern, 0.049%; no homozygotes.

Submission:

Labcorp Genetics (formerly Invitae), Labcorp
Classification: Uncertain significance. Last evaluated: 2022-03-12. Review status: criteria provided, single submitter. Criteria: Invitae Variant Classification Sherloc (09022015). Collection method: clinical testing. Allele origin: germline.
Comment: This sequence change replaces serine, which is neutral and polar, with isoleucine, which is neutral and non-polar, at codon 47 of the GGCX protein (p.Ser47Ile). This variant is present in population databases (rs776627692, gnomAD 0.0009%). This variant has not been reported in the literature in individuals affected with GGCX-related conditions. Algorithms developed to predict the effect of missense changes on protein structure and function are either unavailable or do not agree on the potential impact of this missense change (SIFT: "Deleterious"; PolyPhen-2: "Probably Damaging"; Align-GVGD: "Class C0"). In summary, the available evidence is currently insufficient to determine the role of this variant in disease. Therefore, it has been classified as a Variant of Uncertain Significance.

NM_000821.7(GGCX):c.140G>T (p.Ser47Ile)

Gene: GGCX (gamma-glutamyl carboxylase; minus strand). Cytogenetic location: 2p11.2.
Variant type: single nucleotide variant.
Coding change: c.140G>T on transcript NM_000821.7 (MANE Select); coding-DNA position 140, G replaced by T.
Protein change: p.Ser47Ile; replaces serine 47 with isoleucine.
Molecular consequence: missense variant. On other transcripts: intron variant (1).
Genome position (GRCh38, 1-based): chr2:85,560,889, C>A on the plus strand (G>T on the coding strand, the complement: GGCX is on the minus strand). VCF-style: chr2-85560889-C-A. GRCh37 (hg19) VCF-style: chr2-85788012-C-A.
Other names: c.140G>T, p.Ser47Ile (NM_001311312.3); c.43+497G>T (NM_001142269.4); short protein forms S47I.
Identifiers: ClinVar variation 2173799 (VCV002173799.1), dbSNP rs776627692, ClinGen allele CA1742211.